The following is an entry in ClinVar:

NM_006363.6(SEC23B):c.640C>T (p.Gln214Ter)

Genes: SEC23B (SEC23 homolog B, COPII component; plus strand), LOC126862987 (MED14-independent group 3 enhancer GRCh37_chr20:18504796-18505995; plus strand). Cytogenetic location: 20p11.23.
Variant type: single nucleotide variant.
Coding change: c.640C>T on transcript NM_006363.6 (MANE Select); coding-DNA position 640, C replaced by T.
Protein change: p.Gln214Ter; replaces glutamine 214 with a stop codon.
Molecular consequence: nonsense.
Genome position (GRCh38, 1-based): chr20:18,524,971, C>T. VCF-style: chr20-18524971-C-T. GRCh37 (hg19) VCF-style: chr20-18505615-C-T.
Other names: c.640C>T, p.Gln214Ter (NM_001172745.3, NM_032985.6, NM_032986.5); c.586C>T, p.Gln196Ter (NM_001172746.3); short protein forms Q196*, Q214*.
Identifiers: ClinVar variation 1806373 (VCV001806373.9), dbSNP rs201418257, ClinGen allele CA9778086.

ClinVar aggregate classification (germline): Pathogenic. Review status: criteria provided, multiple submitters, no conflicts (2 of 4 stars). 4 submissions from 4 submitters: Pathogenic (4). Last evaluated 2025-08-18.

Conditions:
Congenital dyserythropoietic anemia, type II (CDAN2). Also called: DYSERYTHROPOIETIC ANEMIA, HEMPAS TYPE. Identifiers: Orphanet 98873, MedGen C1306589, MONDO:0009134, OMIM 224100.
Cowden syndrome 7 (CWS7). Identifiers: Orphanet 201, MedGen C4225179, MONDO:0014802, OMIM 616858.

Allele frequency attached by ClinVar (database versions not stated): TOPMed below 0.00001; ExAC 0.00002.

Submissions (4):

Labcorp Genetics (formerly Invitae), Labcorp
Classification: Pathogenic for Congenital dyserythropoietic anemia, type II; Cowden syndrome 7. Last evaluated: 2025-08-18. Review status: criteria provided, single submitter. Criteria: Invitae Variant Classification Sherloc (09022015). Collection method: clinical testing. Allele origin: germline.
Comment: This sequence change creates a premature translational stop signal (p.Gln214*) in the SEC23B gene. It is expected to result in an absent or disrupted protein product. Loss-of-function variants in SEC23B are known to be pathogenic (PMID: 19561605, 25044164). This variant is present in population databases (rs201418257, gnomAD 0.003%). This premature translational stop signal has been observed in individual(s) with dyserythropoietic anemia type 2 (PMID: 22208203). ClinVar contains an entry for this variant (Variation ID: 1806373). For these reasons, this variant has been classified as Pathogenic.

Center for Genomic Medicine, Rigshospitalet, Copenhagen University Hospital
Classification: Pathogenic. Last evaluated: 2025-03-04. Review status: criteria provided, single submitter. Criteria: ACMG Guidelines, 2015. Collection method: clinical testing. Allele origin: germline.

ARUP Laboratories, Molecular Genetics and Genomics, ARUP Laboratories
Classification: Pathogenic. Last evaluated: 2022-09-21. Review status: criteria provided, single submitter. Criteria: ARUP Molecular Germline Variant Investigation Process 2021. Collection method: clinical testing. Allele origin: germline.
Comment: The SEC23B c.640C>T; p.Gln214Ter variant (rs201418257) is reported in the literature in an individual affected with congenital dyserythropoietic anemia type II (CDA II) (Punzo 2011). In that patient, this variant was detected together with an additional pathogenic SEC23B variant (Punzo 2011). This variant is found in the non-Finnish European population with an allele frequency of 0.0035% (4/113638 alleles) in the Genome Aggregation Database. This variant induces an early termination codon and is predicted to result in a truncated protein or mRNA subject to nonsense-mediated decay. Based on available information, this variant is considered to be pathogenic.

Victorian Clinical Genetics Services, Murdoch Childrens Research Institute
Classification: Pathogenic for Congenital dyserythropoietic anemia, type II. Last evaluated: 2020-10-19. Review status: criteria provided, single submitter. Criteria: ACMG Guidelines, 2015. Collection method: clinical testing. Allele origin: germline. Inheritance: Autosomal recessive inheritance.
Comment: Based on the classification scheme VCGS_Germline_v1.3.3, this variant is classified as Pathogenic. Following criteria are met: 0102 - Loss of function is a known mechanism of disease in this gene and is associated with congenital dyserythropoietic anemia type II (MIM #224100). (I) 0106 - This gene is associated with autosomal recessive disease. (I) 0201 - Variant is predicted to cause nonsense-mediated decay (NMD) and loss of protein (premature termination codon is located at least 54 nucleotides upstream of the final exon-exon junction). (SP) 0251 - This variant is heterozygous. (I) 0304 - Variant is present in gnomAD (v2) <0.01 for a recessive condition (4 heterozygotes, 0 homozygotes). (SP) 0701 - Other NMD predicted variants comparable to the one identified in this case have very strong previous evidence for pathogenicity. Nonsense variants predicted to cause NMD have been reported in many affected individuals (ClinVar, PMID: 19621418, 19561605, 22208203, 25044164). (SP) 0802 - This variant has moderate previous evidence of pathogenicity in unrelated individuals. Multiple affected individuals have been reported with this variant in a compound heterozygous state with another pathogenic variant (PMID: 22208203, 25044164). (SP) 1208 - Inheritance information for this variant is not currently available in this individual. (I) Legend: (SP) - Supporting pathogenic, (I) - Information, (SB) - Supporting benign

Literature cited by the submitters: PubMed 19561605 (cited by Labcorp Genetics (formerly Invitae), Labcorp and Victorian Clinical Genetics Services, Murdoch Childrens Research Institute); PubMed 25044164 (cited by Labcorp Genetics (formerly Invitae), Labcorp and Victorian Clinical Genetics Services, Murdoch Childrens Research Institute); PubMed 22208203 (cited by 3 submitters); PubMed 19621418 (cited by Victorian Clinical Genetics Services, Murdoch Childrens Research Institute).